The following is an entry in ClinVar:

NM_005502.4(ABCA1):c.4773+6C>T

Gene: ABCA1 (ATP binding cassette subfamily A member 1; minus strand). Cytogenetic location: 9q31.1.
Variant type: single nucleotide variant.
Coding change: c.4773+6C>T on transcript NM_005502.4 (MANE Select); 6 bases into the intron after coding-DNA position 4773, C replaced by T.
Molecular consequence: intron variant.
Genome position (GRCh38, 1-based): chr9:104,800,504, G>A on the plus strand (C>T on the coding strand, the complement: ABCA1 is on the minus strand). VCF-style: chr9-104800504-G-A. GRCh37 (hg19) VCF-style: chr9-107562785-G-A.
Identifiers: ClinVar variation 933204 (VCV000933204.4), dbSNP rs368667473, ClinGen allele CA5168025.

ClinVar aggregate classification (germline): Conflicting classifications of pathogenicity. Review status: criteria provided, conflicting classifications (1 of 4 stars). 2 submissions from 2 submitters: Uncertain significance (1); Likely benign (1). Last evaluated 2022-10-03.

Allele frequency attached by ClinVar (database versions not stated): gnomAD exomes 0.00001 and 0.00002; ExAC 0.00002; ESP Exome Variant Server 0.00015; gnomAD 0.00015 and 0.00016; TOPMed 0.00018.
gnomAD v4.1: 36 of 1,612,286 alleles (0.0022%); highest among the groups gnomAD compares: African/African-American, 0.045%; 1 homozygote.

Submissions (2):

Labcorp Genetics (formerly Invitae), Labcorp
Classification: Uncertain significance. Last evaluated: 2022-10-03. Review status: criteria provided, single submitter. Criteria: Invitae Variant Classification Sherloc (09022015). Collection method: clinical testing. Allele origin: germline.
Comment: This sequence change falls in intron 35 of the ABCA1 gene. It does not directly change the encoded amino acid sequence of the ABCA1 protein. It affects a nucleotide within the consensus splice site. This variant is present in population databases (rs368667473, gnomAD 0.03%). This variant has not been reported in the literature in individuals affected with ABCA1-related conditions. ClinVar contains an entry for this variant (Variation ID: 933204). Variants that disrupt the consensus splice site are a relatively common cause of aberrant splicing (PMID: 17576681, 9536098). Algorithms developed to predict the effect of sequence changes on RNA splicing suggest that this variant is not likely to affect RNA splicing. In summary, the available evidence is currently insufficient to determine the role of this variant in disease. Therefore, it has been classified as a Variant of Uncertain Significance.

Women's Health and Genetics/Laboratory Corporation of America, LabCorp
Classification: Likely benign. Last evaluated: 2020-06-30. Review status: criteria provided, single submitter. Criteria: LabCorp Variant Classification Summary - May 2015. Collection method: clinical testing. Allele origin: germline.
Comment: Variant summary: ABCA1 c.4773+6C>T alters a non-conserved nucleotide located close to a canonical splice site and therefore could affect mRNA splicing, leading to a significantly altered protein sequence. 4/4 computational tools predict no significant impact on normal splicing. However, these predictions have yet to be confirmed by functional studies. The variant allele was found at a frequency of 0.00016 in 143280 control chromosomes, predominantly at a frequency of 0.00055 within the African or African-American subpopulation in the gnomAD database, including 1 homozygote (gnomAD v3). The observed variant frequency within African or African-American control individuals in the gnomAD database is approximately 50-fold of the estimated maximal expected allele frequency for a pathogenic variant in ABCA1 causing Familial Hypoalphalipoproteinemia phenotype (1e-05), suggesting that the variant is a benign polymorphism found primarily in populations of African or African-American origin. To our knowledge, no occurrence of c.4773+6C>T in individuals affected with Familial Hypoalphalipoproteinemia and no experimental evidence demonstrating its impact on protein function have been reported. No clinical diagnostic laboratories have submitted clinical-significance assessments for this variant to ClinVar after 2014. Based on the evidence outlined above, the variant was classified as likely benign.

Literature cited by the submitters: PubMed 17576681 (cited by Labcorp Genetics (formerly Invitae), Labcorp); PubMed 9536098 (cited by Labcorp Genetics (formerly Invitae), Labcorp).